The following is an entry in ClinVar:

NM_001127178.3(PIGG):c.2250G>A (p.Lys750=)

Gene: PIGG (phosphatidylinositol glycan anchor biosynthesis class G (EMM blood group); plus strand). Cytogenetic location: 4p16.3.
Variant type: single nucleotide variant.
Coding change: c.2250G>A on transcript NM_001127178.3 (MANE Select); coding-DNA position 2250, G replaced by A.
Protein change: p.Lys750=; no amino-acid change (lysine 750 retained).
Molecular consequence: synonymous variant. On other transcripts: non-coding transcript variant (10).
Genome position (GRCh38, 1-based): chr4:527,219, G>A. VCF-style: chr4-527219-G-A. GRCh37 (hg19) VCF-style: chr4-521008-G-A.
Other names: c.1983G>A, p.Lys661= (NM_001289051.2, NM_001345986.2); c.1851G>A, p.Lys617= (NM_001289052.2); c.1959G>A, p.Lys653= (NM_001345987.2); c.1221G>A, p.Lys407= (NM_001345988.2); c.717G>A, p.Lys239= (NM_001345990.2, NM_001345991.2); c.1152G>A, p.Lys384= (NM_001345994.2); c.2226G>A, p.Lys742= (NM_017733.5).
Identifiers: ClinVar variation 3778470 (VCV003778470.8).

ClinVar aggregate classification (germline): Likely benign. Review status: criteria provided, multiple submitters, no conflicts (2 of 4 stars). 2 submissions from 2 submitters: Likely benign (2). Last evaluated 2025-03-01.

Conditions:
Intellectual disability, autosomal recessive 53 (NEDHSCA). Also called: GLYCOSYLPHOSPHATIDYLINOSITOL BIOSYNTHESIS DEFECT 13; Mental retardation, autosomal recessive 53; NEURODEVELOPMENTAL DISORDER WITH OR WITHOUT HYPOTONIA, SEIZURES, AND CEREBELLAR ATROPHY. Identifiers: Orphanet 488635, MedGen C4310794, MONDO:0014832, OMIM 616917.

Submissions (2):

CeGaT Center for Human Genetics Tuebingen
Classification: Likely benign. Last evaluated: 2025-03-01. Review status: criteria provided, single submitter. Criteria: CeGaT Center For Human Genetics Tuebingen Variant Classification Criteria Version 2. Collection method: clinical testing. Allele origin: germline. Affected: yes. Observed: 1 variant allele.
Comment: PIGG: PM2:Supporting, BP4, BP7

Labcorp Genetics (formerly Invitae), Labcorp
Classification: Likely benign for Intellectual disability, autosomal recessive 53. Last evaluated: 2025-02-02. Review status: criteria provided, single submitter. Criteria: Invitae Variant Classification Sherloc (09022015). Collection method: clinical testing. Allele origin: germline.